The following is an entry in ClinVar:

ClinVar aggregate classification (germline): Uncertain significance. Review status: criteria provided, multiple submitters, no conflicts (2 of 4 stars). 2 submissions from 2 submitters: Uncertain significance (2). Last evaluated 2024-01-03.

Conditions:
Inborn genetic diseases. Identifiers: MedGen C0950123, MeSH D030342.

Submissions (2):

Ambry Genetics
Classification: Uncertain significance for Inborn genetic diseases. Last evaluated: 2024-01-03. Review status: criteria provided, single submitter. Criteria: Ambry Variant Classification Scheme 2023. Collection method: clinical testing. Allele origin: germline.

Labcorp Genetics (formerly Invitae), Labcorp
Classification: Uncertain significance. Last evaluated: 2023-07-07. Review status: criteria provided, single submitter. Criteria: Invitae Variant Classification Sherloc (09022015). Collection method: clinical testing. Allele origin: germline.
Comment: Advanced modeling of protein sequence and biophysical properties (such as structural, functional, and spatial information, amino acid conservation, physicochemical variation, residue mobility, and thermodynamic stability) performed at Invitae indicates that this missense variant is not expected to disrupt SLC9A3 protein function. In summary, the available evidence is currently insufficient to determine the role of this variant in disease. Therefore, it has been classified as a Variant of Uncertain Significance. This variant has not been reported in the literature in individuals affected with SLC9A3-related conditions. This variant is not present in population databases (gnomAD no frequency). This sequence change replaces threonine, which is neutral and polar, with serine, which is neutral and polar, at codon 111 of the SLC9A3 protein (p.Thr111Ser).

NM_004174.4(SLC9A3):c.331A>T (p.Thr111Ser)

Gene: SLC9A3 (solute carrier family 9 member A3). Cytogenetic location: 5p15.33.
Variant type: single nucleotide variant.
Coding change: c.331A>T on transcript NM_004174.4 (MANE Select); coding-DNA position 331, A replaced by T.
Protein change: p.Thr111Ser; replaces threonine 111 with serine.
Molecular consequence: missense variant.
Genome position (GRCh38, 1-based): chr5:491,952, T>A on the plus strand (A>T on the coding strand, the complement: SLC9A3 is on the minus strand). VCF-style: chr5-491952-T-A. GRCh37 (hg19) VCF-style: chr5-492067-T-A.
Other names: c.331A>T, p.Thr111Ser (NM_001284351.3); c.331A>T (NM_004174.2); short protein forms T111S.
Identifiers: ClinVar variation 2737816 (VCV002737816.4), dbSNP rs2477626010, ClinGen allele CA359031460.